The following is an entry in ClinVar:

NM_005765.3(ATP6AP2):c.351T>G (p.Phe117Leu)

Gene: ATP6AP2 (ATPase H+ transporting accessory protein 2; plus strand). Cytogenetic location: Xp11.4.
Variant type: single nucleotide variant.
Coding change: c.351T>G on transcript NM_005765.3 (MANE Select); coding-DNA position 351, T replaced by G.
Protein change: p.Phe117Leu; replaces phenylalanine 117 with leucine.
Molecular consequence: missense variant.
Genome position (GRCh38, 1-based): chrX:40,597,299, T>G. VCF-style: chrX-40597299-T-G. GRCh37 (hg19) VCF-style: chrX-40456551-T-G.
Other names: short protein forms F117L.
Identifiers: ClinVar variation 2097781 (VCV002097781.4), dbSNP rs2518964304, ClinGen allele CA412755335.

ClinVar aggregate classification (germline): Uncertain significance (1 of 4 stars; one submission).

Conditions:
Intellectual developmental disorder, X-linked, syndromic, Hedera type. Also called: Syndromic X-linked intellectual disability Hedera type. Identifiers: Orphanet 93952, MedGen C1845543, MONDO:0010319, OMIM 300423.

Submission:

Labcorp Genetics (formerly Invitae), Labcorp
Classification: Uncertain significance for Intellectual developmental disorder, X-linked, syndromic, Hedera type. Last evaluated: 2022-02-15. Review status: criteria provided, single submitter. Criteria: Invitae Variant Classification Sherloc (09022015). Collection method: clinical testing. Allele origin: germline.
Comment: This variant has not been reported in the literature in individuals affected with ATP6AP2-related conditions. This variant is not present in population databases (gnomAD no frequency). This sequence change replaces phenylalanine, which is neutral and non-polar, with leucine, which is neutral and non-polar, at codon 117 of the ATP6AP2 protein (p.Phe117Leu). In summary, the available evidence is currently insufficient to determine the role of this variant in disease. Therefore, it has been classified as a Variant of Uncertain Significance. Algorithms developed to predict the effect of missense changes on protein structure and function are either unavailable or do not agree on the potential impact of this missense change (SIFT: "Tolerated"; PolyPhen-2: "Probably Damaging"; Align-GVGD: "Class C0").